The following is an entry in ClinVar:

NM_015192.4(PLCB1):c.2965A>G (p.Thr989Ala)

Gene: PLCB1 (phospholipase C beta 1; plus strand). Cytogenetic location: 20p12.3.
Variant type: single nucleotide variant.
Coding change: c.2965A>G on transcript NM_015192.4 (MANE Select); coding-DNA position 2965, A replaced by G.
Protein change: p.Thr989Ala; replaces threonine 989 with alanine.
Molecular consequence: missense variant.
Genome position (GRCh38, 1-based): chr20:8,774,573, A>G. VCF-style: chr20-8774573-A-G. GRCh37 (hg19) VCF-style: chr20-8755220-A-G.
Other names: c.2965A>G, p.Thr989Ala (NM_182734.3); short protein forms T989A.
Identifiers: ClinVar variation 2196552 (VCV002196552.1), dbSNP rs989766792, ClinGen allele CA311269110.
Genomic context (GRCh38, chr20:8,774,573, plus strand): 5'-GTGAGTCAAACTCTGTGTCTTTGCAGATCGGAACCCAGCAGCCCTGATCATGGTTCATCA[A>G]CGATTGAGCAAGACCTCGCTGCTCTGGATGCTGAAATGACCCAAAAGTTAATAGACTTGA-3'
Protein context (NP_056007.1, residues 979-999): EPSSPDHGSS[Thr989Ala]IEQDLAALDA

ClinVar aggregate classification (germline): Uncertain significance (1 of 4 stars; one submission).

Conditions:
Developmental and epileptic encephalopathy, 12 (DEE12). Identifiers: MedGen C3150988, MONDO:0013389, OMIM 613722.

Allele frequency attached by ClinVar (database versions not stated): gnomAD exomes below 0.00001; gnomAD 0.00001; TOPMed 0.00001.
gnomAD v4.1: 4 of 1,613,522 alleles (0.00025%); highest among the groups gnomAD compares: East Asian, 0.0067%; no homozygotes.

Submission:

Labcorp Genetics (formerly Invitae), Labcorp
Classification: Uncertain significance for Developmental and epileptic encephalopathy, 12. Last evaluated: 2022-05-08. Review status: criteria provided, single submitter. Criteria: Invitae Variant Classification Sherloc (09022015). Collection method: clinical testing. Allele origin: germline.
Comment: This sequence change replaces threonine, which is neutral and polar, with alanine, which is neutral and non-polar, at codon 989 of the PLCB1 protein (p.Thr989Ala). This variant is present in population databases (no rsID available, gnomAD 0.006%). This variant has not been reported in the literature in individuals affected with PLCB1-related conditions. Algorithms developed to predict the effect of missense changes on protein structure and function output the following: SIFT: "Tolerated"; PolyPhen-2: "Benign"; Align-GVGD: "Class C0". The alanine amino acid residue is found in multiple mammalian species, which suggests that this missense change does not adversely affect protein function. In summary, the available evidence is currently insufficient to determine the role of this variant in disease. Therefore, it has been classified as a Variant of Uncertain Significance.